The following is an entry in ClinVar:

ClinVar aggregate classification (germline): Likely pathogenic (1 of 4 stars; one submission).

Submission:

Dasa
Classification: Likely pathogenic. Last evaluated: 2025-02-03. Review status: criteria provided, single submitter. Criteria: DASA Assertion Criteria. Collection method: clinical testing. Allele origin: germline.
Comment: NM_001042492.3(NF1):c.2801_2802del (p.Phe934*) is a nonsense variant in NF1 predicted to introduce a premature termination codon and is predicted to result in an absent or altered protein product. Loss of function is an established disease mechanism for NF1 (PMID: 1757093; PMID: 1302608; PMID: 34427956). Also, this variant is absent from population databases. Based on the currently available evidence, this variant is classified as likely pathogenic.

Literature cited by the submitters: PubMed 1757093; PubMed 1302608; PubMed 34427956.

NM_001042492.3(NF1):c.2801_2802del (p.Leu933_Phe934insTer)

Gene: NF1 (neurofibromin 1; plus strand). Cytogenetic location: 17q11.2.
Variant type: Deletion.
Coding change: c.2801_2802del on transcript NM_001042492.3 (MANE Select); coding-DNA positions 2801 to 2802, 2 bases deleted (TT; older notation c.2801_2802delTT).
Protein change: p.Leu933_Phe934insTer.
Molecular consequence: nonsense.
Genome position (GRCh38, 1-based): chr17:31,229,416-31,229,417, TT deleted; deleting any 2 consecutive bases within chr17:31,229,415-31,229,417 gives the same sequence; the c. name uses the placement nearest the transcript's 3' end. VCF-style (leftmost placement, unchanged base first): chr17-31229414-ATT-A. GRCh37 (hg19) VCF-style: chr17-29556432-ATT-A.
Other names: c.2801_2802del, p.Leu933_Phe934insTer (NM_000267.4).
Identifiers: ClinVar variation 4886550 (VCV004886550.2).
Genomic context (GRCh38, chr17:31,229,414, plus strand): 5'-ACGGACCAATGTTAAGGATCTGGTGGGTCTAGAATTGAGTCCTGCTCTGTATCCAATGCT[ATT>A]TAACAAATTGAAGAATACCATCAGCAAGTTTTTTGACTCCCAAGGACAGGTAAAGTGTTC-3'